The following is an entry in ClinVar:

ClinVar aggregate classification (germline): Uncertain significance. Review status: criteria provided, multiple submitters, no conflicts (2 of 4 stars). 2 submissions from 2 submitters: Uncertain significance (2). Last evaluated 2024-10-12.

Submissions (2):

Labcorp Genetics (formerly Invitae), Labcorp
Classification: Uncertain significance. Last evaluated: 2024-10-12. Review status: criteria provided, single submitter. Criteria: Invitae Variant Classification Sherloc (09022015). Collection method: clinical testing. Allele origin: germline.
Comment: This sequence change replaces methionine, which is neutral and non-polar, with leucine, which is neutral and non-polar, at codon 158 of the AFG3L2 protein (p.Met158Leu). This variant is not present in population databases (gnomAD no frequency). This variant has not been reported in the literature in individuals affected with AFG3L2-related conditions. ClinVar contains an entry for this variant (Variation ID: 450606). Invitae Evidence Modeling of protein sequence and biophysical properties (such as structural, functional, and spatial information, amino acid conservation, physicochemical variation, residue mobility, and thermodynamic stability) indicates that this missense variant is not expected to disrupt AFG3L2 protein function with a negative predictive value of 95%. In summary, the available evidence is currently insufficient to determine the role of this variant in disease. Therefore, it has been classified as a Variant of Uncertain Significance.

GeneDx
Classification: Uncertain significance. Last evaluated: 2017-07-28. Review status: criteria provided, single submitter. Criteria: GeneDx Variant Classification (06012015). Collection method: clinical testing. Allele origin: germline. Affected: yes.
Comment: The M158L variant has not been published as a pathogenic variant, nor has it been reported as a benign variant to our knowledge. The M158L variant is not observed in large population cohorts (Lek et al., 2016; 1000 Genomes Consortium et al., 2015; Exome Variant Server). The M158L variant is a conservative amino acid substitution, which is not likely to impact secondary protein structure as these residues share similar properties. This substitution occurs at a position that is not conserved. In silico analysis predicts this variant likely does not alter the protein structure/function. In summary, based on the currently available information, it is unclear whether this variant is a pathogenic variant or a rare benign variant.

NM_006796.3(AFG3L2):c.472A>C (p.Met158Leu)

Gene: AFG3L2 (AFG3 like matrix AAA peptidase subunit 2; minus strand). Cytogenetic location: 18p11.21.
Variant type: single nucleotide variant.
Coding change: c.472A>C on transcript NM_006796.3 (MANE Select); coding-DNA position 472, A replaced by C.
Protein change: p.Met158Leu; replaces methionine 158 with leucine.
Molecular consequence: missense variant.
Genome position (GRCh38, 1-based): chr18:12,367,045, T>G on the plus strand (A>C on the coding strand, the complement: AFG3L2 is on the minus strand). VCF-style: chr18-12367045-T-G. GRCh37 (hg19) VCF-style: chr18-12367044-T-G.
Other names: short protein forms M158L.
Identifiers: ClinVar variation 450606 (VCV000450606.4), dbSNP rs559781535, ClinGen allele CA296713136.